The following is an entry in ClinVar:

NM_001127222.2(CACNA1A):c.7318G>A (p.Val2440Ile)

Gene: CACNA1A (calcium voltage-gated channel subunit alpha1 A; minus strand). Cytogenetic location: 19p13.13.
Variant type: single nucleotide variant.
Coding change: c.7318G>A on transcript NM_001127222.2 (MANE Select); coding-DNA position 7318, G replaced by A.
Protein change: p.Val2440Ile; replaces valine 2440 with isoleucine.
Molecular consequence: missense variant. On other transcripts: 3 prime UTR variant (3).
Genome position (GRCh38, 1-based): chr19:13,207,516, C>T on the plus strand (G>A on the coding strand, the complement: CACNA1A is on the minus strand). VCF-style: chr19-13207516-C-T. GRCh37 (hg19) VCF-style: chr19-13318330-C-T.
Other names: c.*530G>A (NM_000068.4, NM_001127221.2, NM_001174080.2); c.7336G>A, p.Val2446Ile (NM_023035.3); c.7318G>A (NM_001127222.1); short protein forms V2440I, V2446I.
Identifiers: ClinVar variation 1805501 (VCV001805501.3), dbSNP rs765880617, ClinGen allele CA9239187.

ClinVar aggregate classification (germline): Uncertain significance. Review status: criteria provided, multiple submitters, no conflicts (2 of 4 stars). 3 submissions from 3 submitters: Uncertain significance (2). 1 of the submissions does not count toward it. Last evaluated 2022-08-16.

Conditions:
Developmental and epileptic encephalopathy, 42 (DEE42A). Also called: DEVELOPMENTAL AND EPILEPTIC ENCEPHALOPATHY 42A; EPILEPTIC ENCEPHALOPATHY, EARLY INFANTILE, 42A; Epileptic encephalopathy, early infantile, 42. Identifiers: MedGen C4310716, MONDO:0014917, OMIM 617106.
CACNA1A-related disorder. Also called: CACNA1A-related condition.

Allele frequency attached by ClinVar (database versions not stated): gnomAD exomes below 0.00001; gnomAD 0.00001.
gnomAD v4.1: 6 of 1,431,600 alleles (0.00042%); highest among the groups gnomAD compares: African/African-American, 0.0015%; no homozygotes.

Submissions (3):

Athena Diagnostics
Classification: Uncertain significance. Last evaluated: 2022-08-16. Review status: criteria provided, single submitter. Criteria: Athena Diagnostics Criteria. Collection method: clinical testing. Allele origin: unknown.

Victorian Clinical Genetics Services, Murdoch Childrens Research Institute
Classification: Uncertain significance for Developmental and epileptic encephalopathy, 42. Last evaluated: 2020-05-21. Review status: criteria provided, single submitter. Criteria: ACMG Guidelines, 2015. Collection method: clinical testing. Allele origin: germline. Inheritance: Autosomal dominant inheritance. Affected: yes.
Comment: Based on the classification scheme VCGS_Germline_v1.1.1, this variant is classified as 3C-VUS. Following criteria are met: 0103 - Both loss- and gain-of-function are known mechanisms of disease for this gene. (PMID: 31468518) (N) 0107 - This gene is known to be associated with autosomal dominant disease. (N) 0200 - Variant is predicted to result in a missense amino acid change from valine to isoleucine (exon 48). (N) 0251 - Variant is heterozygous. (N) 0301 - Variant is absent from gnomAD in a region of low coverage. (N) 0309 - An alternative amino acid change at the same position has been observed in gnomAD (p.(Val2446Glu); (1 heterozygote, 0 homozygotes)). (N) 0503 - Missense variant consistently predicted to be tolerated or not conserved in mammals with a minor amino acid change. (B) 0604 - Variant is not located in an established domain, motif, hotspot or informative constraint region. (N) 0705 - No comparable variants have previous evidence for pathogenicity. (N) 0807 - Variant has not previously been reported in a clinical context. (N) 0905 - No segregation evidence has been identified for this variant. (N) 1007 - No published functional evidence has been identified for this variant. (N) 1208 - Inheritance information for this variant is not currently available. (N) Legend: (P) - Pathogenic, (N) - Neutral, (B) - Benign

PreventionGenetics, part of Exact Sciences
Classification: Uncertain significance for CACNA1A-related condition. Last evaluated: 2024-03-08. Review status: no assertion criteria provided. Collection method: clinical testing. Allele origin: germline. Not counted in ClinVar's aggregate classification.
Comment: The CACNA1A c.7318G>A variant is predicted to result in the amino acid substitution p.Val2440Ile. To our knowledge, this variant has not been reported in the literature or in a large population database, indicating this variant is rare. At this time, the clinical significance of this variant is uncertain due to the absence of conclusive functional and genetic evidence.

Literature cited by the submitters: PubMed 31468518 (cited by Victorian Clinical Genetics Services, Murdoch Childrens Research Institute).